The following is an entry in ClinVar:

ClinVar aggregate classification (germline): Uncertain significance (1 of 4 stars; one submission).

Submission:

Labcorp Genetics (formerly Invitae), Labcorp
Classification: Uncertain significance. Last evaluated: 2021-10-19. Review status: criteria provided, single submitter. Criteria: Invitae Variant Classification Sherloc (09022015). Collection method: clinical testing. Allele origin: germline.
Comment: This variant results in a copy number gain of the genomic region encompassing exon(s) 1-8 of the GRM6 gene. This region includes the initiator codon of the gene. The 5' end of this event is unknown as it extends beyond the assayed region for this gene and therefore may encompass additional genes. The 3' boundary is likely confined to intron 8 of the GRM6 gene. As the precise location of this event is unknown, it may be in tandem or it may be located elsewhere in the genome. This variant has not been reported in the literature in individuals affected with GRM6-related conditions. Experimental studies and prediction algorithms are not available or were not evaluated, and the functional significance of this variant is currently unknown. In summary, the available evidence is currently insufficient to determine the role of this variant in disease. Therefore, it has been classified as a Variant of Uncertain Significance.

NC_000005.9:g.(?_178413111)_(178700085_?)dup

Genes: ADAMTS2 (ADAM metallopeptidase with thrombospondin type 1 motif 2; minus strand), GRM6 (glutamate metabotropic receptor 6; minus strand), ZNF354C (zinc finger protein 354C; plus strand), ZNF879 (zinc finger protein 879; plus strand). Cytogenetic location: 5q35.3.
Variant type: Duplication.
Identifiers: ClinVar variation 1511116 (VCV001511116.3).